The following is an entry in ClinVar:

NM_015272.5(RPGRIP1L):c.3563T>C (p.Val1188Ala)

Gene: RPGRIP1L (RPGRIP1 like; minus strand). Cytogenetic location: 16q12.2.
Variant type: single nucleotide variant.
Coding change: c.3563T>C on transcript NM_015272.5 (MANE Select); coding-DNA position 3563, T replaced by C.
Protein change: p.Val1188Ala; replaces valine 1188 with alanine.
Molecular consequence: missense variant.
Genome position (GRCh38, 1-based): chr16:53,619,078, A>G on the plus strand (T>C on the coding strand, the complement: RPGRIP1L is on the minus strand). VCF-style: chr16-53619078-A-G. GRCh37 (hg19) VCF-style: chr16-53652990-A-G.
Other names: c.3323T>C, p.Val1108Ala (NM_001127897.4); c.3425T>C, p.Val1142Ala (NM_001308334.3); c.3461T>C, p.Val1154Ala (NM_001330538.2); short protein forms V1108A, V1142A, V1154A, V1188A.
Identifiers: ClinVar variation 4992515 (VCV004992515.1).
Genomic context (GRCh38, chr16:53,619,078, plus strand): 5'-TACATACCATTGCTATAGTTATAGTAGACCCACTGCCCACTCTTGGGTTTTGGAAGTGAC[A>G]CGGGTGTCTCTTCAGCAGGAAGACTGTAGAATCGACACTCAACAAACAGCCGTTGGATAG-3'
Protein context (NP_056087.2, residues 1178-1198): FYSLPAEETP[Val1188Ala]SLPKPKSGQW

ClinVar aggregate classification (germline): Uncertain significance (1 of 4 stars; one submission).

Conditions:
RPGRIP1L-related disorder. Also called: RPGRIP1L-related disorders; RPGRIP1L-related condition. Identifiers: MedGen CN239416.

Submission:

PreventionGenetics, part of Exact Sciences
Classification: Uncertain significance for RPGRIP1L-related condition. Last evaluated: 2026-01-02. Review status: criteria provided, single submitter. Criteria: ACMG Guidelines, 2015. Collection method: clinical testing. Allele origin: germline.
Comment: The RPGRIP1L c.3563T>C variant is predicted to result in the amino acid substitution p.Val1188Ala. To our knowledge, this variant has not been reported in the literature or in a large population database (gnomAD), indicating this variant is rare. Of note, a different variant impacting the same amino acid (p.Val1188Met) has been documented in the compound heterozygous state in an individual with subcortical heterotopia (Uzquiano et al. 2019. PubMed ID: 31390572). At this time, the clinical significance of the c.3563T>C (p.Val1188Ala) variant is uncertain due to the absence of conclusive functional and genetic evidence.